The following is an entry in ClinVar:

NM_000494.4(COL17A1):c.2821+1G>A

Gene: COL17A1 (collagen type XVII alpha 1 chain; minus strand). Cytogenetic location: 10q25.1.
Variant type: single nucleotide variant.
Coding change: c.2821+1G>A on transcript NM_000494.4 (MANE Select); the canonical splice donor site of the intron after coding-DNA position 2821, G replaced by A.
Molecular consequence: splice donor variant.
Genome position (GRCh38, 1-based): chr10:104,039,607, C>T on the plus strand (G>A on the coding strand, the complement: COL17A1 is on the minus strand). VCF-style: chr10-104039607-C-T. GRCh37 (hg19) VCF-style: chr10-105799365-C-T.
Identifiers: ClinVar variation 2745230 (VCV002745230.3), dbSNP rs752849283, ClinGen allele CA378067909.
Genomic context (GRCh38, chr10:104,039,607, plus strand): 5'-GTCAGCCAGGGTTTGGAGAGGCTCTGGCCAGAGCCAGAATGGGGCGGGGTTCAGCCCTTA[C>T]CTGAGGTTGAGAAACCTGGGAGGCCTTGCTCGCCTGAGGAACACACCAAGGGAGGGACAG-3'

ClinVar aggregate classification (germline): Likely pathogenic (1 of 4 stars; one submission).

gnomAD v4.1: 1 of 1,614,142 alleles (0.000062%); highest among the groups gnomAD compares: Non-Finnish European, 0.000085%; no homozygotes.

Submission:

Labcorp Genetics (formerly Invitae), Labcorp
Classification: Likely pathogenic. Last evaluated: 2023-07-20. Review status: criteria provided, single submitter. Criteria: Invitae Variant Classification Sherloc (09022015). Collection method: clinical testing. Allele origin: germline.
Comment: In summary, the currently available evidence indicates that the variant is pathogenic, but additional data are needed to prove that conclusively. Therefore, this variant has been classified as Likely Pathogenic. Algorithms developed to predict the effect of sequence changes on RNA splicing suggest that this variant may disrupt the consensus splice site. This variant has not been reported in the literature in individuals affected with COL17A1-related conditions. This variant is not present in population databases (gnomAD no frequency). This sequence change affects a donor splice site in intron 42 of the COL17A1 gene. It is expected to disrupt RNA splicing. Variants that disrupt the donor or acceptor splice site typically lead to a loss of protein function (PMID: 16199547), and loss-of-function variants in COL17A1 are known to be pathogenic (PMID: 16473856, 17344927, 20301304, 21357940, 24319098).

Literature cited by the submitters: PubMed 16199547; PubMed 16473856; PubMed 17344927; PubMed 20301304; PubMed 21357940; PubMed 24319098.